The following is an entry in ClinVar:

ClinVar aggregate classification (germline): Uncertain significance (1 of 4 stars; one submission).

Allele frequency attached by ClinVar (database versions not stated): gnomAD exomes 0.00001; ExAC 0.00003.

Submission:

Labcorp Genetics (formerly Invitae), Labcorp
Classification: Uncertain significance. Last evaluated: 2021-06-11. Review status: criteria provided, single submitter. Criteria: Invitae Variant Classification Sherloc (09022015). Collection method: clinical testing. Allele origin: germline.
Comment: Algorithms developed to predict the effect of missense changes on protein structure and function are either unavailable or do not agree on the potential impact of this missense change (SIFT: "Tolerated"; PolyPhen-2: "Probably Damaging"; Align-GVGD: "Class C0"). This variant has not been reported in the literature in individuals with SBF1-related conditions. This variant is present in population databases (rs752230843, ExAC 0.02%). This sequence change replaces glutamine with lysine at codon 43 of the SBF1 protein (p.Gln43Lys). The glutamine residue is moderately conserved and there is a small physicochemical difference between glutamine and lysine. In summary, the available evidence is currently insufficient to determine the role of this variant in disease. Therefore, it has been classified as a Variant of Uncertain Significance.

NM_002972.4(SBF1):c.127C>A (p.Gln43Lys)

Gene: SBF1 (SET binding factor 1; minus strand). Cytogenetic location: 22q13.33.
Variant type: single nucleotide variant.
Coding change: c.127C>A on transcript NM_002972.4 (MANE Select); coding-DNA position 127, C replaced by A.
Protein change: p.Gln43Lys; replaces glutamine 43 with lysine.
Molecular consequence: missense variant.
Genome position (GRCh38, 1-based): chr22:50,468,390, G>T on the plus strand (C>A on the coding strand, the complement: SBF1 is on the minus strand). VCF-style: chr22-50468390-G-T. GRCh37 (hg19) VCF-style: chr22-50906819-G-T.
Other names: c.127C>A, p.Gln43Lys (NM_001365819.1); short protein forms Q43K.
Identifiers: ClinVar variation 1502562 (VCV001502562.7), dbSNP rs752230843, ClinGen allele CA10318232.